The following is an entry in ClinVar:

ClinVar aggregate classification (germline): Uncertain significance. Review status: criteria provided, multiple submitters, no conflicts (2 of 4 stars). 2 submissions from 2 submitters: Uncertain significance (2). Last evaluated 2025-03-01.

Conditions:
Familial hemiplegic migraine. Identifiers: MedGen C0338484, MONDO:0000700.
Inborn genetic diseases. Identifiers: MedGen C0950123, MeSH D030342.

Allele frequency attached by ClinVar (database versions not stated): TOPMed below 0.00001.

Submissions (2):

Labcorp Genetics (formerly Invitae), Labcorp
Classification: Uncertain significance for Familial hemiplegic migraine. Last evaluated: 2025-03-01. Review status: criteria provided, single submitter. Criteria: Invitae Variant Classification Sherloc (09022015). Collection method: clinical testing. Allele origin: germline.
Comment: This sequence change replaces histidine, which is basic and polar, with arginine, which is basic and polar, at codon 388 of the ATP1A2 protein (p.His388Arg). This variant is not present in population databases (gnomAD no frequency). This variant has not been reported in the literature in individuals affected with ATP1A2-related conditions. ClinVar contains an entry for this variant (Variation ID: 2154117). Invitae Evidence Modeling of protein sequence and biophysical properties (such as structural, functional, and spatial information, amino acid conservation, physicochemical variation, residue mobility, and thermodynamic stability) indicates that this missense variant is expected to disrupt ATP1A2 protein function with a positive predictive value of 80%. In summary, the available evidence is currently insufficient to determine the role of this variant in disease. Therefore, it has been classified as a Variant of Uncertain Significance.

Ambry Genetics
Classification: Uncertain significance for Inborn genetic diseases. Last evaluated: 2024-11-25. Review status: criteria provided, single submitter. Criteria: Ambry Variant Classification Scheme 2023. Collection method: clinical testing. Allele origin: germline.

NM_000702.4(ATP1A2):c.1163A>G (p.His388Arg)

Gene: ATP1A2 (ATPase Na+/K+ transporting subunit alpha 2; plus strand). Cytogenetic location: 1q23.2.
Variant type: single nucleotide variant.
Coding change: c.1163A>G on transcript NM_000702.4 (MANE Select); coding-DNA position 1163, A replaced by G.
Protein change: p.His388Arg; replaces histidine 388 with arginine.
Molecular consequence: missense variant.
Genome position (GRCh38, 1-based): chr1:160,128,797, A>G. VCF-style: chr1-160128797-A-G. GRCh37 (hg19) VCF-style: chr1-160098587-A-G.
Other names: short protein forms H388R.
Identifiers: ClinVar variation 2154117 (VCV002154117.5), dbSNP rs1651667353, ClinGen allele CA343239618.